The following is an entry in ClinVar:

ClinVar aggregate classification (germline): Uncertain significance. Review status: criteria provided, multiple submitters, no conflicts (2 of 4 stars). 2 submissions from 2 submitters: Uncertain significance (2). Last evaluated 2025-10-06.

Conditions:
Hereditary cancer-predisposing syndrome. Also called: Neoplastic Syndromes, Hereditary; Tumor predisposition; Hereditary Cancer Syndrome; Hereditary neoplastic syndrome. Identifiers: Orphanet 140162, MedGen C0027672, MeSH D009386, MONDO:0015356.
Gastrointestinal stromal tumor. Also called: Gastrointestinal stromal tumor, somatic; Gastrointestinal stroma tumor. Identifiers: Orphanet 44890, MedGen C0238198, MeSH D046152, MONDO:0011719, OMIM 606764, HP:0100723.

Allele frequency attached by ClinVar (database versions not stated): TOPMed below 0.00001.

Submissions (2):

Labcorp Genetics (formerly Invitae), Labcorp
Classification: Uncertain significance for Gastrointestinal stromal tumor. Last evaluated: 2025-10-06. Review status: criteria provided, single submitter. Criteria: Invitae Variant Classification Sherloc (09022015). Collection method: clinical testing. Allele origin: germline.
Comment: This sequence change replaces glutamic acid, which is acidic and polar, with glycine, which is neutral and non-polar, at codon 1063 of the PDGFRA protein (p.Glu1063Gly). This variant is not present in population databases (gnomAD no frequency). This variant has not been reported in the literature in individuals affected with PDGFRA-related conditions. ClinVar contains an entry for this variant (Variation ID: 850056). Invitae Evidence Modeling of protein sequence and biophysical properties (such as structural, functional, and spatial information, amino acid conservation, physicochemical variation, residue mobility, and thermodynamic stability) indicates that this missense variant is not expected to disrupt PDGFRA protein function with a negative predictive value of 80%. In summary, the available evidence is currently insufficient to determine the role of this variant in disease. Therefore, it has been classified as a Variant of Uncertain Significance.

Ambry Genetics
Classification: Uncertain significance for Hereditary cancer-predisposing syndrome. Last evaluated: 2023-11-09. Review status: criteria provided, single submitter. Criteria: Ambry Variant Classification Scheme 2023. Collection method: clinical testing. Allele origin: germline.
Comment: The p.E1063G variant (also known as c.3188A>G), located in coding exon 22 of the PDGFRA gene, results from an A to G substitution at nucleotide position 3188. The glutamic acid at codon 1063 is replaced by glycine, an amino acid with similar properties. This amino acid position is conserved. In addition, the in silico prediction for this alteration is inconclusive. Since supporting evidence is limited at this time, the clinical significance of this alteration remains unclear.

NM_006206.6(PDGFRA):c.3188A>G (p.Glu1063Gly)

Gene: PDGFRA (platelet derived growth factor receptor alpha; plus strand). Cytogenetic location: 4q12.
Variant type: single nucleotide variant.
Coding change: c.3188A>G on transcript NM_006206.6 (MANE Select); coding-DNA position 3188, A replaced by G.
Protein change: p.Glu1063Gly; replaces glutamic acid 1063 with glycine.
Molecular consequence: missense variant.
Genome position (GRCh38, 1-based): chr4:54,295,190, A>G. VCF-style: chr4-54295190-A-G. GRCh37 (hg19) VCF-style: chr4-55161357-A-G.
Other names: c.3263A>G, p.Glu1088Gly (NM_001347828.2); c.3188A>G, p.Glu1063Gly (NM_001347829.2); c.3227A>G, p.Glu1076Gly (NM_001347830.2); short protein forms E1088G, E1076G, E1063G.
Identifiers: ClinVar variation 850056 (VCV000850056.11), dbSNP rs1724821641, ClinGen allele CA356896584.